The following is an entry in ClinVar:

ClinVar aggregate classification (germline): Conflicting classifications of pathogenicity. Review status: criteria provided, conflicting classifications (1 of 4 stars). 3 submissions from 3 submitters: Uncertain significance (1); Likely benign (2). Last evaluated 2025-05-22.

Conditions:
Inborn genetic diseases. Identifiers: MedGen C0950123, MeSH D030342.
Dyskeratosis congenita, autosomal recessive 5 (DKCB5). Identifiers: MedGen C3554656, MONDO:0014076, OMIM 615190.
Pulmonary fibrosis and/or bone marrow failure, Telomere-related, 3. Also called: PULMONARY FIBROSIS AND/OR BONE MARROW FAILURE SYNDROME, TELOMERE-RELATED, 3. Identifiers: Orphanet 2032, MedGen C4225346, MONDO:0014613, OMIM 616373.

Submissions (3):

Labcorp Genetics (formerly Invitae), Labcorp
Classification: Likely benign for Dyskeratosis congenita, autosomal recessive 5; Pulmonary fibrosis and/or bone marrow failure, Telomere-related, 3. Last evaluated: 2025-05-22. Review status: criteria provided, single submitter. Criteria: Invitae Variant Classification Sherloc (09022015). Collection method: clinical testing. Allele origin: germline.

Ambry Genetics
Classification: Likely benign for Inborn genetic diseases. Last evaluated: 2025-02-23. Review status: criteria provided, single submitter. Criteria: Ambry Variant Classification Scheme 2023. Collection method: clinical testing. Allele origin: germline.

Center for Genomics, Ann and Robert H. Lurie Children's Hospital of Chicago
Classification: Uncertain significance for Pulmonary fibrosis and/or bone marrow failure, Telomere-related, 3; Dyskeratosis congenita, autosomal recessive 5. Review status: criteria provided, single submitter. Criteria: ACMG Guidelines, 2015. Collection method: clinical testing. Allele origin: germline.
Comment: RTEL1 NM_032957.4 exon 9 p.Gly268Gly (c.804G>A): This variant has not been reported in the literature and is not present in large control databases. Evolutionary conservation and computational predictive tools for this variant are limited or unavailable. Of note, this variant is a silent variant and does not change the amino acid, reducing the probability that this variant is disease causing. In summary, data on this variant is insufficient for disease classification. Therefore, the clinical significance of this variant is uncertain.

NM_001283009.2(RTEL1):c.732G>A (p.Gly244=)

Genes: RTEL1 (regulator of telomere elongation helicase 1; plus strand), RTEL1-TNFRSF6B (RTEL1-TNFRSF6B readthrough (NMD candidate); plus strand). Cytogenetic location: 20q13.33.
Variant type: single nucleotide variant.
Coding change: c.732G>A on transcript NM_001283009.2 (MANE Select); coding-DNA position 732, G replaced by A.
Protein change: p.Gly244=; no amino-acid change (glycine 244 retained).
Molecular consequence: synonymous variant. On other transcripts: non-coding transcript variant (1).
Genome position (GRCh38, 1-based): chr20:63,672,588, G>A. VCF-style: chr20-63672588-G-A. GRCh37 (hg19) VCF-style: chr20-62303941-G-A.
Other names: c.63G>A, p.Gly21= (NM_001283010.1); c.732G>A, p.Gly244= (NM_016434.4); c.804G>A, p.Gly268= (NM_032957.5).
Identifiers: ClinVar variation 626161 (VCV000626161.8), dbSNP rs919917378, ClinGen allele CA511371586.
Genomic context (GRCh38, chr20:63,672,588, plus strand): 5'-CGCTGCGTCCCTTCTCTTCCTCCTGTAGAGCCGCAGAGCACACAACATTGACCTGAAGGG[G>A]ACAGTCGTGATCTTTGACGAAGCTCACAACGTGGTGAGTCTCCGCTGGCCTCCTAAACAC-3'
Protein context (NP_001269938.1, residues 234-254): SRRAHNIDLK[Gly244=]TVVIFDEAHN